The following is an entry in ClinVar:

NM_199420.4(POLQ):c.1766T>C (p.Leu589Pro)

Gene: POLQ (DNA polymerase theta; minus strand). Cytogenetic location: 3q13.33.
Variant type: single nucleotide variant.
Coding change: c.1766T>C on transcript NM_199420.4 (MANE Select); coding-DNA position 1766, T replaced by C.
Protein change: p.Leu589Pro; replaces leucine 589 with proline.
Molecular consequence: missense variant.
Genome position (GRCh38, 1-based): chr3:121,510,089, A>G on the plus strand (T>C on the coding strand, the complement: POLQ is on the minus strand). VCF-style: chr3-121510089-A-G. GRCh37 (hg19) VCF-style: chr3-121228936-A-G.
Other names: short protein forms L589P.
Identifiers: ClinVar variation 1779691 (VCV001779691.3), dbSNP rs2048241672, ClinGen allele CA354114517.

ClinVar aggregate classification (germline): Uncertain significance (1 of 4 stars; one submission).

Allele frequency attached by ClinVar (database versions not stated): gnomAD exomes below 0.00001; TOPMed below 0.00001; gnomAD 0.00001.
gnomAD v4.1: 3 of 1,614,032 alleles (0.00019%); highest among the groups gnomAD compares: South Asian, 0.0022%; no homozygotes.

Submission:

Ambry Genetics
Classification: Uncertain significance. Last evaluated: 2024-08-10. Review status: criteria provided, single submitter. Criteria: Ambry Variant Classification Scheme 2023. Collection method: clinical testing. Allele origin: germline.
Comment: The p.L589P variant (also known as c.1766T>C), located in coding exon 11 of the POLQ gene, results from a T to C substitution at nucleotide position 1766. The leucine at codon 589 is replaced by proline, an amino acid with similar properties. This amino acid position is conserved. In addition, this alteration is predicted to be deleterious by in silico analysis. Since supporting evidence is limited at this time, the clinical significance of this alteration remains unclear.